The following is an entry in ClinVar:

ClinVar aggregate classification (germline): Likely benign. Review status: criteria provided, multiple submitters, no conflicts (2 of 4 stars). 4 submissions from 4 submitters: Likely benign (4). Last evaluated 2025-05-17.

Conditions:
Melanoma, cutaneous malignant, susceptibility to, 5. Also called: Cutaneous malignant melanoma 5. Identifiers: Orphanet 618, MedGen C2751295, MONDO:0013133, OMIM 613099.

Allele frequency attached by ClinVar (database versions not stated): 1000 Genomes Project 30x 0.00016; 1000 Genomes Project 0.00020; TOPMed 0.00003; ExAC 0.00004; gnomAD 0.00004; gnomAD exomes 0.00004 and 0.00007.

Submissions (4):

Labcorp Genetics (formerly Invitae), Labcorp
Classification: Likely benign for Melanoma, cutaneous malignant, susceptibility to, 5. Last evaluated: 2025-05-17. Review status: criteria provided, single submitter. Criteria: Invitae Variant Classification Sherloc (09022015). Collection method: clinical testing. Allele origin: germline.

Ambry Genetics
Classification: Likely benign. Last evaluated: 2024-11-28. Review status: criteria provided, single submitter. Criteria: Ambry Variant Classification Scheme 2023. Collection method: clinical testing. Allele origin: germline.

CeGaT Center for Human Genetics Tuebingen
Classification: Likely benign. Last evaluated: 2022-12-01. Review status: criteria provided, single submitter. Criteria: CeGaT Center For Human Genetics Tuebingen Variant Classification Criteria Version 2. Collection method: clinical testing. Allele origin: germline. Affected: yes. Observed: 3 variant alleles.
Comment: MC1R: BP4, BP7

Illumina Laboratory Services, Illumina
Classification: Likely benign for Melanoma, cutaneous malignant, susceptibility to, 5. Last evaluated: 2017-04-27. Review status: criteria provided, single submitter. Criteria: ICSL Variant Classification Criteria 13 December 2019. Collection method: clinical testing. Allele origin: germline.
Comment: This variant was observed as part of a predisposition screen in an ostensibly healthy population. A literature search was performed for the gene, cDNA change, and amino acid change (where applicable). Publications were found based on this search. The evidence from the literature, in combination with allele frequency data from public databases where available, was sufficient to determine this variant is unlikely to cause disease. Therefore, this variant is classified as likely benign.

Literature cited by the submitters: PubMed 22854540 (cited by Illumina Laboratory Services, Illumina); PubMed 16309897 (cited by Illumina Laboratory Services, Illumina).

NM_002386.4(MC1R):c.249G>A (p.Ser83=)

Gene: MC1R (melanocortin 1 receptor; plus strand). Cytogenetic location: 16q24.3.
Variant type: single nucleotide variant.
Coding change: c.249G>A on transcript NM_002386.4 (MANE Select); coding-DNA position 249, G replaced by A.
Protein change: p.Ser83=; no amino-acid change (serine 83 retained).
Molecular consequence: synonymous variant.
Genome position (GRCh38, 1-based): chr16:89,919,507, G>A. VCF-style: chr16-89919507-G-A. GRCh37 (hg19) VCF-style: chr16-89985915-G-A.
Identifiers: ClinVar variation 321423 (VCV000321423.45), dbSNP rs375562624, ClinGen allele CA8255537.